The following is an entry in ClinVar:

NM_001458.5(FLNC):c.6589C>T (p.Arg2197Trp)

Genes: FLNC (filamin C; plus strand), FLNC-AS1 (FLNC antisense RNA 1; minus strand). Cytogenetic location: 7q32.1.
Variant type: single nucleotide variant.
Coding change: c.6589C>T on transcript NM_001458.5 (MANE Select); coding-DNA position 6589, C replaced by T.
Protein change: p.Arg2197Trp; replaces arginine 2197 with tryptophan.
Molecular consequence: missense variant.
Genome position (GRCh38, 1-based): chr7:128,854,078, C>T. VCF-style: chr7-128854078-C-T. GRCh37 (hg19) VCF-style: chr7-128494132-C-T.
Other names: c.6490C>T, p.Arg2164Trp (NM_001127487.2); short protein forms R2197W, R2164W.
Identifiers: ClinVar variation 1030459 (VCV001030459.10), dbSNP rs1808943188, ClinGen allele CA369212883.
Genomic context (GRCh38, chr7:128,854,078, plus strand): 5'-ACCTTCACACGCAGCAGCCACACCTACACCCGCACGGAGCGCACGGAGATCAGCAAGACG[C>T]GGGGCGGGGAGACAAAGCGCGAGGTGCGGGTGGAGGAGTCCACCCAGGTCGGCGGGGACC-3'
Protein context (NP_001449.3, residues 2187-2207): RTERTEISKT[Arg2197Trp]GGETKREVRV

ClinVar aggregate classification (germline): Uncertain significance. Review status: criteria provided, multiple submitters, no conflicts (2 of 4 stars). 3 submissions from 3 submitters: Uncertain significance (3). Last evaluated 2025-02-05.

Conditions:
Hypertrophic cardiomyopathy 26. Also called: Cardiomyopathy, familial hypertrophic, 26. Identifiers: Orphanet 75249, MedGen C4310749, MONDO:0014883, OMIM 617047.
Distal myopathy with posterior leg and anterior hand involvement. Also called: WILLIAMS DISTAL MYOPATHY. Identifiers: Orphanet 63273, MedGen C3279722, MONDO:0013550, OMIM 614065.
Myofibrillar myopathy 5. Also called: Filaminopathy (type); FILAMINOPATHY, AUTOSOMAL DOMINANT. Identifiers: Orphanet 171445, MedGen C1836050, MONDO:0012289, OMIM 609524.
Cardiovascular phenotype. Identifiers: MedGen CN230736.

Submissions (3):

Labcorp Genetics (formerly Invitae), Labcorp
Classification: Uncertain significance for Distal myopathy with posterior leg and anterior hand involvement; Myofibrillar myopathy 5; Hypertrophic cardiomyopathy 26. Last evaluated: 2025-02-05. Review status: criteria provided, single submitter. Criteria: Invitae Variant Classification Sherloc (09022015). Collection method: clinical testing. Allele origin: germline.
Comment: This sequence change replaces arginine, which is basic and polar, with tryptophan, which is neutral and slightly polar, at codon 2197 of the FLNC protein (p.Arg2197Trp). This variant is not present in population databases (gnomAD no frequency). This missense change has been observed in individual(s) with FLNC-related conditions (PMID: 28138913, 32870709). ClinVar contains an entry for this variant (Variation ID: 1030459). An algorithm developed to predict the effect of missense changes on protein structure and function (PolyPhen-2) suggests that this variant is likely to be tolerated. In summary, the available evidence is currently insufficient to determine the role of this variant in disease. Therefore, it has been classified as a Variant of Uncertain Significance.

Ambry Genetics
Classification: Uncertain significance for Cardiovascular phenotype. Last evaluated: 2024-12-13. Review status: criteria provided, single submitter. Criteria: Ambry Variant Classification Scheme 2023. Collection method: clinical testing. Allele origin: germline.
Comment: The p.R2197W variant (also known as c.6589C>T), located in coding exon 40 of the FLNC gene, results from a C to T substitution at nucleotide position 6589. The arginine at codon 2197 is replaced by tryptophan, an amino acid with dissimilar properties. This variant was reported in individual(s) with features consistent with hypertrophic cardiomyopathy and restrictive cardiomyopathy (Alejandra Restrepo-Cordoba M et al. J Cardiovasc Transl Res, 2017 Feb;10:35-46; Al-Hassnan ZN et al. Circ Genom Precis Med, 2020 Oct;13:504-514). This amino acid position is highly conserved in available vertebrate species. In addition, the in silico prediction for this alteration is inconclusive. Based on the available evidence, the clinical significance of this variant remains unclear.

Baylor Genetics
Classification: Uncertain significance for Hypertrophic cardiomyopathy 26. Last evaluated: 2020-05-05. Review status: criteria provided, single submitter. Criteria: ACMG Guidelines, 2015. Collection method: clinical testing. Allele origin: unknown. Affected: yes.
Comment: This variant was determined to be of uncertain significance according to ACMG Guidelines, 2015 [PMID:25741868].

Literature cited by the submitters: PubMed 28138913 (cited by Labcorp Genetics (formerly Invitae), Labcorp and Ambry Genetics); PubMed 32870709 (cited by Labcorp Genetics (formerly Invitae), Labcorp and Ambry Genetics).